The following is an entry in ClinVar:

ClinVar aggregate classification (germline): Uncertain significance (1 of 4 stars; one submission).

gnomAD v4.1: 1 of 1,209,947 alleles (0.000083%); highest among the groups gnomAD compares: African/African-American, 0.0017%; no homozygotes.

Submission:

GeneDx
Classification: Uncertain significance. Last evaluated: 2025-05-23. Review status: criteria provided, single submitter. Criteria: GeneDx Variant Classification Process June 2021. Collection method: clinical testing. Allele origin: germline. Affected: yes.
Comment: In silico analysis supports that this missense variant has a deleterious effect on protein structure/function; Has not been previously published as pathogenic or benign to our knowledge

NM_001318510.2(ACSL4):c.287A>T (p.Asn96Ile)

Gene: ACSL4 (acyl-CoA synthetase long chain family member 4; minus strand). Cytogenetic location: Xq23.
Variant type: single nucleotide variant.
Coding change: c.287A>T on transcript NM_001318510.2 (MANE Select); coding-DNA position 287, A replaced by T.
Protein change: p.Asn96Ile; replaces asparagine 96 with isoleucine.
Molecular consequence: missense variant.
Genome position (GRCh38, 1-based): chrX:109,682,838, T>A on the plus strand (A>T on the coding strand, the complement: ACSL4 is on the minus strand). VCF-style: chrX-109682838-T-A. GRCh37 (hg19) VCF-style: chrX-108926067-T-A.
Other names: c.287A>T, p.Asn96Ile (NM_004458.3, NM_001437250.1, NM_001437251.1 and 2 more transcripts); c.410A>T, p.Asn137Ile (NM_022977.3, NM_001318509.2, NM_001437245.1 and 2 more transcripts); short protein forms N137I, N96I.
Identifiers: ClinVar variation 4530815 (VCV004530815.1).